The following is an entry in ClinVar:

ClinVar aggregate classification (germline): Uncertain significance (1 of 4 stars; one submission).

Conditions:
Frontotemporal dementia and/or amyotrophic lateral sclerosis 4. Also called: FTDALS4. Identifiers: Orphanet 275872, MedGen C4225325, MONDO:0014641, OMIM 616439.

Allele frequency attached by ClinVar (database versions not stated): TOPMed below 0.00001.

Submission:

Labcorp Genetics (formerly Invitae), Labcorp
Classification: Uncertain significance for Frontotemporal dementia and/or amyotrophic lateral sclerosis 4. Last evaluated: 2023-10-24. Review status: criteria provided, single submitter. Criteria: Invitae Variant Classification Sherloc (09022015). Collection method: clinical testing. Allele origin: germline.
Comment: This sequence change replaces alanine, which is neutral and non-polar, with glycine, which is neutral and non-polar, at codon 429 of the TBK1 protein (p.Ala429Gly). This variant is not present in population databases (gnomAD no frequency). This variant has not been reported in the literature in individuals affected with TBK1-related conditions. Advanced modeling of protein sequence and biophysical properties (such as structural, functional, and spatial information, amino acid conservation, physicochemical variation, residue mobility, and thermodynamic stability) performed at Invitae indicates that this missense variant is not expected to disrupt TBK1 protein function with a negative predictive value of 95%. In summary, the available evidence is currently insufficient to determine the role of this variant in disease. Therefore, it has been classified as a Variant of Uncertain Significance.

NM_013254.4(TBK1):c.1286C>G (p.Ala429Gly)

Gene: TBK1 (TANK binding kinase 1; plus strand). Cytogenetic location: 12q14.2.
Variant type: single nucleotide variant.
Coding change: c.1286C>G on transcript NM_013254.4 (MANE Select); coding-DNA position 1286, C replaced by G.
Protein change: p.Ala429Gly; replaces alanine 429 with glycine.
Molecular consequence: missense variant.
Genome position (GRCh38, 1-based): chr12:64,485,963, C>G. VCF-style: chr12-64485963-C-G. GRCh37 (hg19) VCF-style: chr12-64879743-C-G.
Other names: short protein forms A429G.
Identifiers: ClinVar variation 2799494 (VCV002799494.3), dbSNP rs2040816674, ClinGen allele CA385601226.